The following is an entry in ClinVar:

ClinVar aggregate classification (germline): Uncertain significance. Review status: criteria provided, multiple submitters, no conflicts (2 of 4 stars). 2 submissions from 2 submitters: Uncertain significance (2). Last evaluated 2023-11-03.

Allele frequency attached by ClinVar (database versions not stated): gnomAD exomes below 0.00001; ExAC 0.00001.
gnomAD v4.1: 1 of 1,613,274 alleles (0.000062%); highest among the groups gnomAD compares: Non-Finnish European, 0.000085%; no homozygotes.

Submissions (2):

GeneDx
Classification: Uncertain significance. Last evaluated: 2023-11-03. Review status: criteria provided, single submitter. Criteria: GeneDx Variant Classification Process June 2021. Collection method: clinical testing. Allele origin: germline. Affected: yes.
Comment: Not observed at significant frequency in large population cohorts (gnomAD); Nonsense variant predicted to result in protein truncation as the last 829 amino acids are lost; Has not been previously published as pathogenic or benign to our knowledge; This variant is associated with the following publications: (PMID: 28545555)

Revvity Omics, Revvity
Classification: Uncertain significance. Last evaluated: 2021-05-03. Review status: criteria provided, single submitter. Criteria: ACMG Guidelines, 2015. Collection method: clinical testing. Allele origin: germline.

NM_152703.5(SAMD9L):c.2268G>A (p.Trp756Ter)

Gene: SAMD9L (sterile alpha motif domain containing 9 like; minus strand). Cytogenetic location: 7q21.2.
Variant type: single nucleotide variant.
Coding change: c.2268G>A on transcript NM_152703.5 (MANE Select); coding-DNA position 2268, G replaced by A.
Protein change: p.Trp756Ter; replaces tryptophan 756 with a stop codon.
Molecular consequence: nonsense.
Genome position (GRCh38, 1-based): chr7:93,133,704, C>T on the plus strand (G>A on the coding strand, the complement: SAMD9L is on the minus strand). VCF-style: chr7-93133704-C-T. GRCh37 (hg19) VCF-style: chr7-92763017-C-T.
Other names: c.2268G>A, p.Trp756Ter (NM_001303496.3, NM_001303497.3, NM_001303498.3 and 5 more transcripts); c.2268G>A (NM_152703.3); short protein forms W756*.
Identifiers: ClinVar variation 2435651 (VCV002435651.4), dbSNP rs755008828, ClinGen allele CA4343610.